The following is an entry in ClinVar:

NM_178452.6(DNAAF1):c.2065+1del

Gene: DNAAF1 (dynein axonemal assembly factor 1; plus strand). Cytogenetic location: 16q24.1.
Variant type: Deletion.
Coding change: c.2065+1del on transcript NM_178452.6 (MANE Select); the canonical splice donor site of the intron after coding-DNA position 2065, one base deleted (G; older notation c.2065+1delG).
Molecular consequence: splice donor variant.
Genome position (GRCh38, 1-based): chr16:84,176,300, G deleted; the last of 3 consecutive G bases (chr16:84,176,298-84,176,300); deleting any one gives the same sequence. VCF-style (leftmost placement, unchanged base first): chr16-84176297-CG-C. GRCh37 (hg19) VCF-style: chr16-84209903-CG-C.
Other names: c.1357+1del (NM_001318756.1); c.2065+1delG (NM_178452.4).
Identifiers: ClinVar variation 570050 (VCV000570050.5), dbSNP rs1567571110, ClinGen allele CA891843887.
Genomic context (GRCh38, chr16:84,176,297, plus strand): 5'-ATGCTGCACCACTCACTTCCAGTGGAGACAGGGACAGCGACTTCCTTGCAGCCTCTTCTC[CG>C]GGTAAGAGCGTGGGGCCGAGAGCACAGTGGAGACAATGTTGGCTCCCCGGCCTGGGATGG-3'

ClinVar aggregate classification (germline): Uncertain significance (1 of 4 stars; one submission).

Conditions:
Primary ciliary dyskinesia. Also called: Ciliary dyskinesia. Identifiers: Orphanet 244, MedGen C0008780, MONDO:0016575, HP:0012265.

Submission:

Labcorp Genetics (formerly Invitae), Labcorp
Classification: Uncertain significance for Primary ciliary dyskinesia. Last evaluated: 2018-04-10. Review status: criteria provided, single submitter. Criteria: Invitae Variant Classification Sherloc (09022015). Collection method: clinical testing. Allele origin: germline.
Comment: This sequence change affects a donor splice site in the last intron (intron 11) of the DNAAF1 gene. While this is not anticipated to result in nonsense mediated decay, it likely alters RNA splicing and results in a disrupted protein product. This variant is not present in population databases (ExAC no frequency). This variant has not been reported in the literature in individuals with a DNAAF1-related disease. Nucleotide substitutions within the consensus splice site are a relatively common cause of aberrant splicing (PMID: 17576681, 9536098). Algorithms developed to predict the effect of sequence changes on RNA splicing suggest that this variant may disrupt the consensus splice site, but this prediction has not been confirmed by published transcriptional studies. In summary, the available evidence is currently insufficient to determine the role of this variant in disease. Therefore, it has been classified as a Variant of Uncertain Significance.

Literature cited by the submitters: PubMed 17576681; PubMed 9536098.